The following is an entry in ClinVar:

NM_001148.6(ANK2):c.5606C>T (p.Ala1869Val)

Genes: ANK2 (ankyrin 2; plus strand), LOC126807136 (MED14-independent group 3 enhancer GRCh37_chr4:114274931-114276130; plus strand). Cytogenetic location: 4q26.
Variant type: single nucleotide variant.
Coding change: c.5606C>T on transcript NM_001148.6 (MANE Select); coding-DNA position 5606, C replaced by T.
Protein change: p.Ala1869Val; replaces alanine 1869 with valine.
Molecular consequence: missense variant. On other transcripts: intron variant (68).
Genome position (GRCh38, 1-based): chr4:113,354,224, C>T. VCF-style: chr4-113354224-C-T. GRCh37 (hg19) VCF-style: chr4-114275380-C-T.
Other names: c.5372C>T, p.Ala1791Val (NM_001386142.1); c.2006C>T, p.Ala669Val (NM_001386166.1); c.5747C>T, p.Ala1916Val (NM_001386174.1); c.5723C>T, p.Ala1908Val (NM_001386175.1); c.4411+3975C>T (NM_001386186.2, NM_001386148.2); c.4213+3975C>T (NM_001354269.3); c.4291+3975C>T (NM_001386187.2); c.4252+3975C>T (NM_001386147.1); and 35 more; short protein forms A1791V, A1869V, A1908V, A669V, A1916V.
Identifiers: ClinVar variation 1904645 (VCV001904645.6), dbSNP rs983680857, ClinGen allele CA103812503.

ClinVar aggregate classification (germline): Uncertain significance. Review status: criteria provided, multiple submitters, no conflicts (2 of 4 stars). 2 submissions from 2 submitters: Uncertain significance (2). Last evaluated 2024-02-21.

Conditions:
Long QT syndrome (LQTS). Identifiers: MedGen C0023976, MeSH D008133, MONDO:0002442. Disease mechanism: loss of function. Inheritance: Various modes of inheritance.

Allele frequency attached by ClinVar (database versions not stated): gnomAD exomes below 0.00001; gnomAD 0.00001.
gnomAD v4.1: 8 of 1,613,808 alleles (0.0005%); highest among the groups gnomAD compares: African/African-American, 0.0027%; no homozygotes.

Submissions (2):

GeneDx
Classification: Uncertain significance. Last evaluated: 2024-02-21. Review status: criteria provided, single submitter. Criteria: GeneDx Variant Classification Process June 2021. Collection method: clinical testing. Allele origin: germline. Affected: yes.
Comment: Has not been previously published as pathogenic or benign to our knowledge; Not observed at significant frequency in large population cohorts (gnomAD); In silico analysis supports that this missense variant does not alter protein structure/function

Labcorp Genetics (formerly Invitae), Labcorp
Classification: Uncertain significance for Long QT syndrome. Last evaluated: 2023-02-04. Review status: criteria provided, single submitter. Criteria: Invitae Variant Classification Sherloc (09022015). Collection method: clinical testing. Allele origin: germline.
Comment: In summary, the available evidence is currently insufficient to determine the role of this variant in disease. Therefore, it has been classified as a Variant of Uncertain Significance. Algorithms developed to predict the effect of missense changes on protein structure and function output the following: SIFT: "Tolerated"; PolyPhen-2: "Benign"; Align-GVGD: "Class C0". The valine amino acid residue is found in multiple mammalian species, which suggests that this missense change does not adversely affect protein function. This variant has not been reported in the literature in individuals affected with ANK2-related conditions. This variant is present in population databases (no rsID available, gnomAD 0.004%). This sequence change replaces alanine, which is neutral and non-polar, with valine, which is neutral and non-polar, at codon 1869 of the ANK2 protein (p.Ala1869Val).